The following is an entry in ClinVar:

NM_201269.3(ZNF644):c.2381C>T (p.Ala794Val)

Gene: ZNF644 (zinc finger protein 644; minus strand). Cytogenetic location: 1p22.2.
Variant type: single nucleotide variant.
Coding change: c.2381C>T on transcript NM_201269.3 (MANE Select); coding-DNA position 2381, C replaced by T.
Protein change: p.Ala794Val; replaces alanine 794 with valine.
Molecular consequence: missense variant. On other transcripts: intron variant (2).
Genome position (GRCh38, 1-based): chr1:90,938,973, G>A on the plus strand (C>T on the coding strand, the complement: ZNF644 is on the minus strand). VCF-style: chr1-90938973-G-A. GRCh37 (hg19) VCF-style: chr1-91404530-G-A.
Other names: c.2381C>T, p.Ala794Val (NM_001437610.1, NM_001437611.1, NM_001437612.1 and 1 more transcripts); c.23-20819C>T (NM_032186.5, NM_016620.4); short protein forms A794V.
Identifiers: ClinVar variation 5000307 (VCV005000307.1).

ClinVar aggregate classification (germline): Benign (1 of 4 stars; one submission).

Conditions:
ZNF644-related disorder. Also called: ZNF644-related condition.

gnomAD v4.1: 1,126 of 1,613,902 alleles (0.07%); highest among the groups gnomAD compares: African/African-American, 1.3%; 8 homozygotes.

Submission:

PreventionGenetics, part of Exact Sciences
Classification: Benign for ZNF644-related condition. Last evaluated: 2025-09-03. Review status: criteria provided, single submitter. Criteria: ACMG Guidelines, 2015. Collection method: clinical testing. Allele origin: germline.
Comment: This variant is classified as benign based on ACMG/AMP sequence variant interpretation guidelines (Richards et al. 2015 PMID: 25741868, with internal and published modifications).